The following is an entry in ClinVar:

ClinVar aggregate classification (germline): Uncertain significance (1 of 4 stars; one submission).

gnomAD v4.1: 8 of 1,613,090 alleles (0.0005%); highest among the groups gnomAD compares: South Asian, 0.0011%; no homozygotes.

Submission:

Ambry Genetics
Classification: Uncertain significance. Last evaluated: 2024-11-22. Review status: criteria provided, single submitter. Criteria: Ambry Variant Classification Scheme 2023. Collection method: clinical testing. Allele origin: germline.
Comment: The p.A2200T variant (also known as c.6598G>A), located in coding exon 28 of the WNK2 gene, results from a G to A substitution at nucleotide position 6598. The alanine at codon 2200 is replaced by threonine, an amino acid with similar properties. This amino acid position is conserved. In addition, this alteration is predicted to be tolerated by in silico analysis. Based on the available evidence, the clinical significance of this variant remains unclear.

NM_006648.4(WNK2):c.6598G>A (p.Ala2200Thr)

Gene: WNK2 (WNK lysine deficient protein kinase 2; plus strand). Cytogenetic location: 9q22.31.
Variant type: single nucleotide variant.
Coding change: c.6598G>A on transcript NM_006648.4 (MANE Select); coding-DNA position 6598, G replaced by A.
Protein change: p.Ala2200Thr; replaces alanine 2200 with threonine.
Molecular consequence: missense variant.
Genome position (GRCh38, 1-based): chr9:93,317,601, G>A. VCF-style: chr9-93317601-G-A. GRCh37 (hg19) VCF-style: chr9-96079883-G-A.
Other names: c.6709G>A, p.Ala2237Thr (NM_001282394.3); short protein forms A2200T, A2237T.
Identifiers: ClinVar variation 3470312 (VCV003470312.1).